The following is an entry in ClinVar:

NC_000016.10:g.67660291G>C

Gene: ACD (ACD shelterin complex subunit and telomerase recruitment factor; minus strand). Cytogenetic location: 16q22.1.
Variant type: single nucleotide variant.
Genome position: GRCh38 VCF-style: chr16-67660291-G-C. GRCh37 (hg19) VCF-style: chr16-67694194-G-C.
Identifiers: ClinVar variation 2012348 (VCV002012348.4), dbSNP rs2142976456, ClinGen allele CA396359474.
Genomic context (GRCh38, chr16:67,660,291, plus strand): 5'-ACACCCAGCGGATGCAACGGGCCCGGGTTTCCCGCGGGCGCCCAGGCCCCGCCTTTCCTC[G>C]GAAGAGGAAGCTCCTTCGCTGGGCGGGGCCGGAGGAGGAGGCCCCGCCCACGTACACCCC-3'

ClinVar aggregate classification (germline): Uncertain significance (1 of 4 stars; one submission).

Conditions:
Dyskeratosis congenita, autosomal dominant 6 (DKCA6). Identifiers: Orphanet 3322, MedGen C4225284, MONDO:0014690, OMIM 616553.

Submission:

Labcorp Genetics (formerly Invitae), Labcorp
Classification: Uncertain significance for Dyskeratosis congenita, autosomal dominant 6. Last evaluated: 2022-06-29. Review status: criteria provided, single submitter. Criteria: Invitae Variant Classification Sherloc (09022015). Collection method: clinical testing. Allele origin: germline.
Comment: This sequence change replaces proline, which is neutral and non-polar, with arginine, which is basic and polar, at codon 63 of the ACD protein (p.Pro63Arg). In summary, the available evidence is currently insufficient to determine the role of this variant in disease. Therefore, it has been classified as a Variant of Uncertain Significance. Algorithms developed to predict the effect of missense changes on protein structure and function are either unavailable or do not agree on the potential impact of this missense change (SIFT: "Tolerated"; PolyPhen-2: "Probably Damaging"; Align-GVGD: "Class C0"). This variant has not been reported in the literature in individuals affected with ACD-related conditions. This variant is not present in population databases (gnomAD no frequency).